The following is an entry in ClinVar:

ClinVar aggregate classification (germline): Uncertain significance. Review status: criteria provided, multiple submitters, no conflicts (2 of 4 stars). 2 submissions from 2 submitters: Uncertain significance (2). Last evaluated 2025-09-15.

Allele frequency attached by ClinVar (database versions not stated): gnomAD exomes 0.00007; ExAC 0.00013; ESP Exome Variant Server 0.00015.
gnomAD v4.1: 105 of 1,606,836 alleles (0.0065%); highest among the groups gnomAD compares: South Asian, 0.07%; 2 homozygotes.

Submissions (2):

Labcorp Genetics (formerly Invitae), Labcorp
Classification: Uncertain significance. Last evaluated: 2025-09-15. Review status: criteria provided, single submitter. Criteria: Invitae Variant Classification Sherloc (09022015). Collection method: clinical testing. Allele origin: germline.
Comment: This sequence change replaces aspartic acid, which is acidic and polar, with glycine, which is neutral and non-polar, at codon 221 of the CD96 protein (p.Asp221Gly). This variant is present in population databases (rs200541974, gnomAD 0.06%). This variant has not been reported in the literature in individuals affected with CD96-related conditions. ClinVar contains an entry for this variant (Variation ID: 3140724). Invitae Evidence Modeling of protein sequence and biophysical properties (such as structural, functional, and spatial information, amino acid conservation, physicochemical variation, residue mobility, and thermodynamic stability) indicates that this missense variant is not expected to disrupt CD96 protein function with a negative predictive value of 80%. Algorithms developed to predict the effect of sequence changes on RNA splicing suggest that this variant may disrupt the consensus splice site. In summary, the available evidence is currently insufficient to determine the role of this variant in disease. Therefore, it has been classified as a Variant of Uncertain Significance.

Ambry Genetics
Classification: Uncertain significance. Last evaluated: 2021-07-09. Review status: criteria provided, single submitter. Criteria: Ambry Variant Classification Scheme 2023. Collection method: clinical testing. Allele origin: germline.

NM_005816.5(CD96):c.614A>G (p.Asp205Gly)

Gene: CD96 (CD96 molecule; plus strand). Cytogenetic location: 3q13.13.
Variant type: single nucleotide variant.
Coding change: c.614A>G on transcript NM_005816.5 (MANE Select); coding-DNA position 614, A replaced by G.
Protein change: p.Asp205Gly; replaces aspartic acid 205 with glycine.
Molecular consequence: missense variant. On other transcripts: non-coding transcript variant (1).
Genome position (GRCh38, 1-based): chr3:111,579,097, A>G. VCF-style: chr3-111579097-A-G. GRCh37 (hg19) VCF-style: chr3-111297944-A-G.
Other names: c.614A>G, p.Asp205Gly (NM_001318889.2, NM_001410800.1); c.662A>G, p.Asp221Gly (NM_198196.3); short protein forms D221G, D205G.
Identifiers: ClinVar variation 3140724 (VCV003140724.2), dbSNP rs200541974, ClinGen allele CA2534243.
Genomic context (GRCh38, chr3:111,579,097, plus strand): 5'-GAACTCAGGAAACACTTATCTCCCAAAATCACCTCATCAGCAATTCCACATTACTTAAAG[A>G]TAGAGTCAAGCTTGGTACAGACTACAGACTCCACCTCTCTCCAGTCCAAATCTTCGATGA-3'
Protein context (NP_005807.1, residues 195-215): HLISNSTLLK[Asp205Gly]RVKLGTDYRL